The following is an entry in ClinVar:

NM_000179.3(MSH6):c.1452A>T (p.Glu484Asp)

Gene: MSH6 (mutS homolog 6; plus strand). Cytogenetic location: 2p16.3.
Variant type: single nucleotide variant.
Coding change: c.1452A>T on transcript NM_000179.3 (MANE Select); coding-DNA position 1452, A replaced by T.
Protein change: p.Glu484Asp; replaces glutamic acid 484 with aspartic acid.
Molecular consequence: missense variant.
Genome position (GRCh38, 1-based): chr2:47,799,435, A>T. VCF-style: chr2-47799435-A-T. GRCh37 (hg19) VCF-style: chr2-48026574-A-T.
Other names: c.1062A>T, p.Glu354Asp (NM_001281492.2); c.546A>T, p.Glu182Asp (NM_001281493.2, NM_001281494.2, NM_001406811.1 and 6 more transcripts); c.1548A>T, p.Glu516Asp (NM_001406795.1, NM_001406802.1); c.1452A>T, p.Glu484Asp (NM_001406796.1, NM_001406798.1, NM_001406800.1 and 4 more transcripts); c.1155A>T, p.Glu385Asp (NM_001406797.1, NM_001406801.1, NM_001406805.1 and 10 more transcripts); c.927A>T, p.Glu309Asp (NM_001406799.1, NM_001406806.1, NM_001406807.1); c.1374A>T, p.Glu458Asp (NM_001406804.1); c.1458A>T, p.Glu486Asp (NM_001406813.1); and 1 more; short protein forms E309D, E354D, E458D, E182D, E428D, E486D, E516D, E385D.
Identifiers: ClinVar variation 1772977 (VCV001772977.2), dbSNP rs776633437, ClinGen allele CA346745710.

ClinVar aggregate classification (germline): Uncertain significance (1 of 4 stars; one submission).

Conditions:
Hereditary cancer-predisposing syndrome. Also called: Hereditary Cancer Syndrome; Hereditary neoplastic syndrome; Neoplastic Syndromes, Hereditary; Tumor predisposition. Identifiers: Orphanet 140162, MedGen C0027672, MeSH D009386, MONDO:0015356.

Submission:

Ambry Genetics
Classification: Uncertain significance for Hereditary cancer-predisposing syndrome. Last evaluated: 2021-01-27. Review status: criteria provided, single submitter. Criteria: Ambry Variant Classification Scheme 2023. Collection method: clinical testing. Allele origin: germline.
Comment: The p.E484D variant (also known as c.1452A>T), located in coding exon 4 of the MSH6 gene, results from an A to T substitution at nucleotide position 1452. The glutamic acid at codon 484 is replaced by aspartic acid, an amino acid with highly similar properties. This amino acid position is highly conserved in available vertebrate species. In addition, this alteration is predicted to be deleterious by in silico analysis. Since supporting evidence is limited at this time, the clinical significance of this alteration remains unclear.